The following is an entry in ClinVar:

ClinVar aggregate classification (germline): Benign/Likely benign. Review status: criteria provided, multiple submitters, no conflicts (2 of 4 stars). 4 submissions from 4 submitters: Benign (1); Likely benign (3). Last evaluated 2026-07-15.

Conditions:
Hereditary cancer-predisposing syndrome. Also called: Hereditary neoplastic syndrome; Neoplastic Syndromes, Hereditary; Tumor predisposition; Hereditary Cancer Syndrome. Identifiers: Orphanet 140162, MedGen C0027672, MeSH D009386, MONDO:0015356.
Rhabdoid tumor predisposition syndrome 2 (RTPS2). Identifiers: Orphanet 231108, Orphanet 69077, MedGen C2750074, MONDO:0013224, OMIM 613325.

Allele frequency attached by ClinVar (database versions not stated): gnomAD exomes 0.00001 and below 0.00001; TOPMed 0.00001; ESP Exome Variant Server 0.00008; ExAC 0.00001; gnomAD 0.00003.
gnomAD v4.1: 13 of 1,612,838 alleles (0.00081%); highest among the groups gnomAD compares: South Asian, 0.0033%; no homozygotes.

Submissions (4):

Myriad Genetics, Inc.
Classification: Benign for Rhabdoid tumor predisposition syndrome 2. Last evaluated: 2026-07-15. Review status: criteria provided, single submitter. Criteria: Myriad Autosomal Dominant, Autosomal Recessive and X-Linked Classification Criteria (2023). Collection method: clinical testing. Allele origin: unknown.
Comment: This variant is considered benign. This variant is a silent/synonymous amino acid change and it is not expected to impact splicing.

Labcorp Genetics (formerly Invitae), Labcorp
Classification: Likely benign for Rhabdoid tumor predisposition syndrome 2. Last evaluated: 2025-11-17. Review status: criteria provided, single submitter. Criteria: Invitae Variant Classification Sherloc (09022015). Collection method: clinical testing. Allele origin: germline.

Quest Diagnostics Nichols Institute San Juan Capistrano
Classification: Likely benign. Last evaluated: 2022-12-14. Review status: criteria provided, single submitter. Criteria: Quest Diagnostics criteria. Collection method: clinical testing. Allele origin: unknown.

Ambry Genetics
Classification: Likely benign for Hereditary cancer-predisposing syndrome. Last evaluated: 2018-07-10. Review status: criteria provided, single submitter. Criteria: Ambry Variant Classification Scheme 2023. Collection method: clinical testing. Allele origin: germline.

NM_003072.5(SMARCA4):c.3759C>T (p.His1253=)

Gene: SMARCA4 (SWI/SNF related BAF chromatin remodeling complex subunit ATPase 4; plus strand). Cytogenetic location: 19p13.2.
Variant type: single nucleotide variant.
Coding change: c.3759C>T on transcript NM_003072.5 (MANE Select); coding-DNA position 3759, C replaced by T.
Protein change: p.His1253=; no amino-acid change (histidine 1253 retained).
Molecular consequence: synonymous variant. On other transcripts: non-coding transcript variant (1).
Genome position (GRCh38, 1-based): chr19:11,033,502, C>T. VCF-style: chr19-11033502-C-T. GRCh37 (hg19) VCF-style: chr19-11144178-C-T.
Other names: c.3759C>T, p.His1253= (NM_001128844.3, NM_001128845.2, NM_001128846.2 and 4 more transcripts).
Identifiers: ClinVar variation 706654 (VCV000706654.17), dbSNP rs369795942, ClinGen allele CA9204497.